The following is an entry in ClinVar:

ClinVar aggregate classification (germline): Benign/Likely benign. Review status: criteria provided, multiple submitters, no conflicts (2 of 4 stars). 4 submissions from 4 submitters: Benign (1); Likely benign (2). 1 of the submissions does not count toward it. Last evaluated 2026-04-01.

Conditions:
SULT2B1-related disorder. Also called: SULT2B1-related condition.

Allele frequency attached by ClinVar (database versions not stated): 1000 Genomes Project 0.00120; 1000 Genomes Project 30x 0.00125; TOPMed 0.00411; gnomAD 0.00430 and 0.00452; ESP Exome Variant Server 0.00454; gnomAD exomes 0.00466 and 0.00733; ExAC 0.00585.

Submissions (4):

CeGaT Center for Human Genetics Tuebingen
Classification: Likely benign. Last evaluated: 2026-04-01. Review status: criteria provided, single submitter. Criteria: CeGaT Center For Human Genetics Tuebingen Variant Classification Criteria Version 2. Collection method: clinical testing. Allele origin: germline. Affected: yes. Observed: 2 variant alleles.
Comment: SULT2B1: BP4, BS2

Labcorp Genetics (formerly Invitae), Labcorp
Classification: Benign. Last evaluated: 2026-01-08. Review status: criteria provided, single submitter. Criteria: Invitae Variant Classification Sherloc (09022015). Collection method: clinical testing. Allele origin: germline.

Breakthrough Genomics
Classification: Likely benign. Review status: criteria provided, single submitter. Criteria: ACMG Guidelines, 2015. Collection method: not provided. Allele origin: germline. Inheritance: Autosomal recessive inheritance. Affected: yes.

PreventionGenetics, part of Exact Sciences
Classification: Benign for SULT2B1-related condition. Last evaluated: 2019-09-24. Review status: no assertion criteria provided. Collection method: clinical testing. Allele origin: germline. Not counted in ClinVar's aggregate classification.
Comment: This variant is classified as benign based on ACMG/AMP sequence variant interpretation guidelines (Richards et al. 2015 PMID: 25741868, with internal and published modifications).

NM_177973.2(SULT2B1):c.152T>C (p.Leu51Ser)

Gene: SULT2B1 (sulfotransferase family 2B member 1; plus strand). Cytogenetic location: 19q13.33.
Variant type: single nucleotide variant.
Coding change: c.152T>C on transcript NM_177973.2 (MANE Select); coding-DNA position 152, T replaced by C.
Protein change: p.Leu51Ser; replaces leucine 51 with serine.
Molecular consequence: missense variant.
Genome position (GRCh38, 1-based): chr19:48,576,021, T>C. VCF-style: chr19-48576021-T-C. GRCh37 (hg19) VCF-style: chr19-49079278-T-C.
Other names: c.107T>C, p.Leu36Ser (NM_004605.2); short protein forms L36S, L51S.
Identifiers: ClinVar variation 726656 (VCV000726656.45), dbSNP rs16982149, ClinGen allele CA9552986.